The following is an entry in ClinVar:

ClinVar aggregate classification (germline): Uncertain significance (1 of 4 stars; one submission).

Conditions:
Tuberous sclerosis 2 (TSC2). Identifiers: Orphanet 805, MedGen C1860707, MONDO:0013199, OMIM 613254.

Submission:

Labcorp Genetics (formerly Invitae), Labcorp
Classification: Uncertain significance for Tuberous sclerosis 2. Last evaluated: 2022-10-03. Review status: criteria provided, single submitter. Criteria: Invitae Variant Classification Sherloc (09022015). Collection method: clinical testing. Allele origin: germline.
Comment: In summary, the available evidence is currently insufficient to determine the role of this variant in disease. Therefore, it has been classified as a Variant of Uncertain Significance. Variants that disrupt the consensus splice site are a relatively common cause of aberrant splicing (PMID: 17576681, 9536098). Algorithms developed to predict the effect of sequence changes on RNA splicing suggest that this variant is not likely to affect RNA splicing. This variant has not been reported in the literature in individuals affected with TSC2-related conditions. This variant is not present in population databases (gnomAD no frequency). This sequence change falls in intron 34 of the TSC2 gene. It does not directly change the encoded amino acid sequence of the TSC2 protein. It affects a nucleotide within the consensus splice site.

Literature cited by the submitters: PubMed 17576681; PubMed 9536098.

NM_000548.5(TSC2):c.4493+4G>C

Gene: TSC2 (TSC complex subunit 2; plus strand). Cytogenetic location: 16p13.3.
Variant type: single nucleotide variant.
Coding change: c.4493+4G>C on transcript NM_000548.5 (MANE Select); 4 bases into the intron after coding-DNA position 4493, G replaced by C.
Molecular consequence: intron variant.
Genome position (GRCh38, 1-based): chr16:2,084,719, G>C. VCF-style: chr16-2084719-G-C. GRCh37 (hg19) VCF-style: chr16-2134720-G-C.
Other names: c.4424+4G>C (NM_001114382.3); c.4364+4G>C (NM_021055.3, NM_001370405.1); c.4295+4G>C (NM_001363528.2); c.4361+4G>C (NM_001370404.1); c.4292+4G>C (NM_001077183.3); c.4184+4G>C (NM_001318827.2); c.3761+4G>C (NM_001318831.2); c.4148+4G>C (NM_001318829.2); and 1 more.
Identifiers: ClinVar variation 2033881 (VCV002033881.4), dbSNP rs2090545964, ClinGen allele CA2580090990.
Genomic context (GRCh38, chr16:2,084,719, plus strand): 5'-CTTAAAGAGCAGAGCCACAGCCTCCAATGCAGAGAAAGTGCCAGGCATCAACCCCAGGTG[G>C]GCCTCTTGCTTCCGGGCGGGGCTCCTGACACCTCTCCTGCGGGAACCTGGTGCCTCACTT-3'